The following is an entry in ClinVar:

ClinVar aggregate classification (germline): Uncertain significance (1 of 4 stars; one submission).

Conditions:
Familial cancer of breast. Also called: Hereditary breast cancer; hereditary breast carcinoma; BREAST CANCER, FAMILIAL. Identifiers: Orphanet 227535, MedGen C0346153, MONDO:0016419, OMIM 114480. Disease mechanism: loss of function.

Submission:

Labcorp Genetics (formerly Invitae), Labcorp
Classification: Uncertain significance for Familial cancer of breast. Last evaluated: 2024-07-15. Review status: criteria provided, single submitter. Criteria: Invitae Variant Classification Sherloc (09022015). Collection method: clinical testing. Allele origin: germline.
Comment: This sequence change replaces aspartic acid, which is acidic and polar, with asparagine, which is neutral and polar, at codon 571 of the PALB2 protein (p.Asp571Asn). This variant is not present in population databases (gnomAD no frequency). This variant has not been reported in the literature in individuals affected with PALB2-related conditions. Advanced modeling of protein sequence and biophysical properties (such as structural, functional, and spatial information, amino acid conservation, physicochemical variation, residue mobility, and thermodynamic stability) performed at Invitae indicates that this missense variant is not expected to disrupt PALB2 protein function with a negative predictive value of 80%. In summary, the available evidence is currently insufficient to determine the role of this variant in disease. Therefore, it has been classified as a Variant of Uncertain Significance.

NM_024675.4(PALB2):c.1711G>A (p.Asp571Asn)

Gene: PALB2 (partner and localizer of BRCA2; minus strand). Cytogenetic location: 16p12.2.
Variant type: single nucleotide variant.
Coding change: c.1711G>A on transcript NM_024675.4 (MANE Select); coding-DNA position 1711, G replaced by A.
Protein change: p.Asp571Asn; replaces aspartic acid 571 with asparagine.
Molecular consequence: missense variant. On other transcripts: 5 prime UTR variant (2), intron variant (1).
Genome position (GRCh38, 1-based): chr16:23,630,443, C>T on the plus strand (G>A on the coding strand, the complement: PALB2 is on the minus strand). VCF-style: chr16-23630443-C-T. GRCh37 (hg19) VCF-style: chr16-23641764-C-T.
Other names: c.1651G>A, p.Asp551Asn (NM_001407296.1); c.1711G>A, p.Asp571Asn (NM_001407297.1, NM_001407298.1, NM_001407299.1 and 3 more transcripts); c.826G>A, p.Asp276Asn (NM_001407304.1, NM_001407307.1, NM_001407308.1 and 5 more transcripts); c.-78G>A (NM_001407312.1, NM_001407313.1); c.49-1168G>A (NM_001407314.1); short protein forms D276N, D551N, D571N.
Identifiers: ClinVar variation 3625311 (VCV003625311.2).